The following is an entry in ClinVar:

NM_001039591.3(USP9X):c.1463T>G (p.Leu488Arg)

Gene: USP9X (ubiquitin specific peptidase 9 X-linked; plus strand). Cytogenetic location: Xp11.4.
Variant type: single nucleotide variant.
Coding change: c.1463T>G on transcript NM_001039591.3 (MANE Select); coding-DNA position 1463, T replaced by G.
Protein change: p.Leu488Arg; replaces leucine 488 with arginine.
Molecular consequence: missense variant.
Genome position (GRCh38, 1-based): chrX:41,148,412, T>G. VCF-style: chrX-41148412-T-G. GRCh37 (hg19) VCF-style: chrX-41007665-T-G.
Other names: c.1463T>G, p.Leu488Arg (NM_001039590.3, NM_001410748.1, NM_001410749.1); short protein forms L488R.
Identifiers: ClinVar variation 2733859 (VCV002733859.3), dbSNP rs2519156052, ClinGen allele CA412771877.

ClinVar aggregate classification (germline): Uncertain significance (1 of 4 stars; one submission).

Submission:

Labcorp Genetics (formerly Invitae), Labcorp
Classification: Uncertain significance. Last evaluated: 2023-07-06. Review status: criteria provided, single submitter. Criteria: Invitae Variant Classification Sherloc (09022015). Collection method: clinical testing. Allele origin: germline.
Comment: This sequence change replaces leucine, which is neutral and non-polar, with arginine, which is basic and polar, at codon 488 of the USP9X protein (p.Leu488Arg). This variant is not present in population databases (gnomAD no frequency). This variant has not been reported in the literature in individuals affected with USP9X-related conditions. An algorithm developed to predict the effect of missense changes on protein structure and function (PolyPhen-2) suggests that this variant is likely to be disruptive. In summary, the available evidence is currently insufficient to determine the role of this variant in disease. Therefore, it has been classified as a Variant of Uncertain Significance.